The following is an entry in ClinVar:

NM_001145809.2(MYH14):c.2042G>A (p.Gly681Glu)

Gene: MYH14 (myosin heavy chain 14; plus strand). Cytogenetic location: 19q13.33.
Variant type: single nucleotide variant.
Coding change: c.2042G>A on transcript NM_001145809.2 (MANE Select); coding-DNA position 2042, G replaced by A.
Protein change: p.Gly681Glu; replaces glycine 681 with glutamic acid.
Molecular consequence: missense variant. On other transcripts: intron variant (2).
Genome position (GRCh38, 1-based): chr19:50,255,316, G>A. VCF-style: chr19-50255316-G-A. GRCh37 (hg19) VCF-style: chr19-50758573-G-A.
Other names: c.1946-1983G>A (NM_001077186.2); c.1922-1983G>A (NM_024729.4); short protein forms G681E.
Identifiers: ClinVar variation 4981884 (VCV004981884.1).

ClinVar aggregate classification (germline): Uncertain significance (1 of 4 stars; one submission).

Conditions:
MYH14-related disorder. Also called: MYH14-related condition.

gnomAD v4.1: 8 of 1,550,558 alleles (0.00052%); highest among the groups gnomAD compares: Middle Eastern, 0.017%; no homozygotes.

Submission:

PreventionGenetics, part of Exact Sciences
Classification: Uncertain significance for MYH14-related condition. Last evaluated: 2024-12-09. Review status: criteria provided, single submitter. Criteria: ACMG Guidelines, 2015. Collection method: clinical testing. Allele origin: germline.
Comment: The MYH14 c.2042G>A variant is predicted to result in the amino acid substitution p.Gly681Glu. To our knowledge, this variant has not been reported in the literature or in a large population database (gnomAD), indicating this variant is rare. At this time, the clinical significance of this variant is uncertain due to the absence of conclusive functional and genetic evidence.